The following is an entry in ClinVar:

NM_000528.4(MAN2B1):c.1333C>T (p.His445Tyr)

Gene: MAN2B1 (mannosidase alpha class 2B member 1; minus strand). Cytogenetic location: 19p13.13.
Variant type: single nucleotide variant.
Coding change: c.1333C>T on transcript NM_000528.4 (MANE Select); coding-DNA position 1333, C replaced by T.
Protein change: p.His445Tyr; replaces histidine 445 with tyrosine.
Molecular consequence: missense variant.
Genome position (GRCh38, 1-based): chr19:12,657,532, G>A on the plus strand (C>T on the coding strand, the complement: MAN2B1 is on the minus strand). VCF-style: chr19-12657532-G-A. GRCh37 (hg19) VCF-style: chr19-12768346-G-A.
Other names: c.1330C>T, p.His444Tyr (NM_001173498.2); short protein forms H445Y, H444Y.
Identifiers: ClinVar variation 208265 (VCV000208265.3), dbSNP rs864621983, ClinGen allele CA350999.
Genomic context (GRCh38, chr19:12,657,532, plus strand): 5'-GCTGGCGCGCGTAGTCGTTGGCCACGTGCTGGCGGGAGGTGCCGCTGACGGCGTCGTGAT[G>A]CTGGAGCACAGCCATCGCCTCATCTGCTCATAGACAATGAGTCCGGTGAGGTTCTGTGGG-3'
Protein context (NP_000519.2, residues 435-455): PLNEAMAVLQ[His445Tyr]HDAVSGTSRQ

ClinVar aggregate classification (germline): Uncertain significance. Review status: criteria provided, single submitter (1 of 4 stars). 2 submissions from 2 submitters: Uncertain significance (1). 1 of the submissions does not count toward it. Last evaluated 2025-01-27.

Conditions:
Deficiency of alpha-mannosidase (MANSA). Also called: LYSOSOMAL ALPHA-D-MANNOSIDASE DEFICIENCY; Mannosidosis, alpha-, types I and II; Alpha-Mannosidosis. Identifiers: Orphanet 61, MedGen C0024748, MONDO:0009561, OMIM 248500.

Allele frequency attached by ClinVar (database versions not stated): TOPMed below 0.00001.

Submissions (2):

Women's Health and Genetics/Laboratory Corporation of America, LabCorp
Classification: Uncertain significance. Last evaluated: 2025-01-27. Review status: criteria provided, single submitter. Criteria: LabCorp Variant Classification Summary - May 2015. Collection method: clinical testing. Allele origin: germline.
Comment: Variant summary: MAN2B1 c.1333C>T (p.His445Tyr) results in a conservative amino acid change located in the Families 57/38 glycoside transferase middle domain (IPR028995) of the encoded protein sequence. Four of five in-silico tools predict a damaging effect of the variant on protein function. The frequency data for this variant in gnomAD is considered unreliable, as metrics indicate poor data quality at this position. c.1333C>T has been reported in the literature in unknown individuals affected with Alpha-Mannosidosis (Riise Stensland_2012). These report(s) do not provide unequivocal conclusions about association of the variant with Alpha-Mannosidosis. At least one publication reports experimental evidence evaluating an impact on protein function. The most pronounced variant effect results in impaired protein process and transport to lysosome or rapid lysosome turnover (Kuokkanen_2011). The following publications have been ascertained in the context of this evaluation (PMID: 21505070, 22161967). ClinVar contains an entry for this variant (Variation ID: 208265). Based on the evidence outlined above, the variant was classified as VUS-possibly pathogenic.

ClinVar Staff, National Center for Biotechnology Information (NCBI)
Classification: Uncertain significance for Deficiency of alpha-mannosidase. Last evaluated: 2012-06-07. Review status: no assertion criteria provided. Collection method: literature only. Allele origin: germline. Affected: yes. Not counted in ClinVar's aggregate classification.

Literature cited by the submitters: PubMed 22161967 (cited by Women's Health and Genetics/Laboratory Corporation of America, LabCorp and ClinVar Staff, National Center for Biotechnology Information (NCBI)); PubMed 21505070 (cited by Women's Health and Genetics/Laboratory Corporation of America, LabCorp).